The following is an entry in ClinVar:

ClinVar aggregate classification (germline): Uncertain significance. Review status: criteria provided, multiple submitters, no conflicts (2 of 4 stars). 2 submissions from 2 submitters: Uncertain significance (2). Last evaluated 2025-09-04.

Conditions:
Inborn genetic diseases. Identifiers: MedGen C0950123, MeSH D030342.

Allele frequency attached by ClinVar (database versions not stated): TOPMed 0.00001.
gnomAD v4.1: 15 of 1,272,796 alleles (0.0012%); highest among the groups gnomAD compares: Non-Finnish European, 0.0014%; no homozygotes.

Submissions (2):

Ambry Genetics
Classification: Uncertain significance for Inborn genetic diseases. Last evaluated: 2025-09-04. Review status: criteria provided, single submitter. Criteria: Ambry Variant Classification Scheme 2023. Collection method: clinical testing. Allele origin: germline.

Labcorp Genetics (formerly Invitae), Labcorp
Classification: Uncertain significance. Last evaluated: 2023-04-11. Review status: criteria provided, single submitter. Criteria: Invitae Variant Classification Sherloc (09022015). Collection method: clinical testing. Allele origin: germline.
Comment: In summary, the available evidence is currently insufficient to determine the role of this variant in disease. Therefore, it has been classified as a Variant of Uncertain Significance. An algorithm developed to predict the effect of missense changes on protein structure and function (PolyPhen-2) suggests that this variant¬† is likely to be tolerated. This variant has not been reported in the literature in individuals affected with DOCK6-related conditions. This variant is not present in population databases (gnomAD no frequency). This sequence change replaces phenylalanine, which is neutral and non-polar, with leucine, which is neutral and non-polar, at codon 9 of the DOCK6 protein (p.Phe9Leu).

NM_020812.4(DOCK6):c.27C>G (p.Phe9Leu)

Gene: DOCK6 (dedicator of cytokinesis 6; minus strand). Cytogenetic location: 19p13.2.
Variant type: single nucleotide variant.
Coding change: c.27C>G on transcript NM_020812.4 (MANE Select); coding-DNA position 27, C replaced by G.
Protein change: p.Phe9Leu; replaces phenylalanine 9 with leucine.
Molecular consequence: missense variant.
Genome position (GRCh38, 1-based): chr19:11,262,414, G>C on the plus strand (C>G on the coding strand, the complement: DOCK6 is on the minus strand). VCF-style: chr19-11262414-G-C. GRCh37 (hg19) VCF-style: chr19-11373090-G-C.
Other names: c.27C>G, p.Phe9Leu (NM_001367830.1); c.27C>G (NM_020812.2); short protein forms F9L.
Identifiers: ClinVar variation 2964181 (VCV002964181.2), dbSNP rs1471580445, ClinGen allele CA404081744.